The following is an entry in ClinVar:

ClinVar aggregate classification (germline): Uncertain significance (1 of 4 stars; one submission).

gnomAD v4.1: 1 of 1,614,084 alleles (0.000062%); no homozygotes.

Submission:

GeneDx
Classification: Uncertain significance. Last evaluated: 2019-08-20. Review status: criteria provided, single submitter. Criteria: GeneDx Variant Classification Process June 2021. Collection method: clinical testing. Allele origin: germline. Affected: yes.
Comment: Not observed in large population cohorts (Lek et al., 2016); In silico analysis, which includes protein predictors and evolutionary conservation, supports a deleterious effect; Has not been previously published as pathogenic or benign to our knowledge

NM_001365999.1(SZT2):c.9487T>C (p.Phe3163Leu)

Genes: SZT2 (SZT2 subunit of KICSTOR complex; plus strand), SZT2-AS1 (SZT2 antisense RNA 1; minus strand). Cytogenetic location: 1p34.2.
Variant type: single nucleotide variant.
Coding change: c.9487T>C on transcript NM_001365999.1 (MANE Select); coding-DNA position 9487, T replaced by C.
Protein change: p.Phe3163Leu; replaces phenylalanine 3163 with leucine.
Molecular consequence: missense variant. On other transcripts: non-coding transcript variant (1).
Genome position (GRCh38, 1-based): chr1:43,447,895, T>C. VCF-style: chr1-43447895-T-C. GRCh37 (hg19) VCF-style: chr1-43913566-T-C.
Other names: c.9316T>C, p.Phe3106Leu (NM_015284.4); short protein forms F3106L, F3163L.
Identifiers: ClinVar variation 1308055 (VCV001308055.2), dbSNP rs2153936879, ClinGen allele CA340043422.